The following is an entry in ClinVar:

NM_001184.4(ATR):c.3152G>A (p.Arg1051His)

Gene: ATR (ATR checkpoint kinase; minus strand). Cytogenetic location: 3q23.
Variant type: single nucleotide variant.
Coding change: c.3152G>A on transcript NM_001184.4 (MANE Select); coding-DNA position 3152, G replaced by A.
Protein change: p.Arg1051His; replaces arginine 1051 with histidine.
Molecular consequence: missense variant.
Genome position (GRCh38, 1-based): chr3:142,549,498, C>T on the plus strand (G>A on the coding strand, the complement: ATR is on the minus strand). VCF-style: chr3-142549498-C-T. GRCh37 (hg19) VCF-style: chr3-142268340-C-T.
Other names: c.2960G>A, p.Arg987His (NM_001354579.2); short protein forms R1051H, R987H.
Identifiers: ClinVar variation 587606 (VCV000587606.14), dbSNP rs770645649, ClinGen allele CA2650201.
Genomic context (GRCh38, chr3:142,549,498, plus strand): 5'-ATTTATATAAAAAAGTAAAATATATAGAAATATTCAATTACCTTCAGATAATGAAGGGCA[C>T]GTTCTAATTCATCTTTGGAACAAGAACAGACCAAATGAGAAAAAATATATTTGAAGTTGT-3'
Protein context (NP_001175.2, residues 1041-1061): VCSCSKDELE[Arg1051His]ALHYLKNETE

ClinVar aggregate classification (germline): Uncertain significance. Review status: criteria provided, multiple submitters, no conflicts (2 of 4 stars). 8 submissions from 6 submitters: Uncertain significance (8). Last evaluated 2024-03-01.

Conditions:
Seckel syndrome. Also called: Microcephalic primordial dwarfism. Identifiers: Orphanet 324761, Orphanet 808, MedGen C0265202, MONDO:0019342.
Familial cutaneous telangiectasia and oropharyngeal predisposition cancer syndrome. Identifiers: Orphanet 313846, MedGen C3281203, MONDO:0013806, OMIM 614564.
ATR-X-related syndrome. Identifiers: MedGen CN257940, MONDO:0016980.
Inborn genetic diseases. Identifiers: MedGen C0950123, MeSH D030342.
Seckel syndrome 1 (SCKL1). Also called: MICROCEPHALIC PRIMORDIAL DWARFISM I. Identifiers: Orphanet 808, MedGen C4551474, MONDO:0008869, OMIM 210600.

Allele frequency attached by ClinVar (database versions not stated): TOPMed below 0.00001; ExAC 0.00001; gnomAD 0.00001; gnomAD exomes 0.00001 and 0.00002.
gnomAD v4.1: 28 of 1,597,624 alleles (0.0018%); highest among the groups gnomAD compares: African/African-American, 0.0054%; no homozygotes.

Submissions (8):

Fulgent Genetics
Classification: Uncertain significance for Seckel syndrome 1; Familial cutaneous telangiectasia and oropharyngeal predisposition cancer syndrome. Last evaluated: 2024-03-01. Review status: criteria provided, single submitter. Criteria: ACMG Guidelines, 2015. Collection method: clinical testing. Allele origin: germline.

Ambry Genetics
Classification: Uncertain significance for Inborn genetic diseases. Last evaluated: 2023-08-29. Review status: criteria provided, single submitter. Criteria: Ambry Variant Classification Scheme 2023. Collection method: clinical testing. Allele origin: germline.
Comment: The p.R1051H variant (also known as c.3152G>A), located in coding exon 15 of the ATR gene, results from a G to A substitution at nucleotide position 3152. The arginine at codon 1051 is replaced by histidine, an amino acid with highly similar properties. This amino acid position is conserved. In addition, this alteration is predicted to be tolerated by in silico analysis. Since supporting evidence is limited at this time, the clinical significance of this alteration remains unclear.

Labcorp Genetics (formerly Invitae), Labcorp
Classification: Uncertain significance. Last evaluated: 2023-04-03. Review status: criteria provided, single submitter. Criteria: Invitae Variant Classification Sherloc (09022015). Collection method: clinical testing. Allele origin: germline.
Comment: This sequence change replaces arginine, which is basic and polar, with histidine, which is basic and polar, at codon 1051 of the ATR protein (p.Arg1051His). The frequency data for this variant in the population databases is considered unreliable, as metrics indicate poor data quality at this position in the gnomAD database. This variant has not been reported in the literature in individuals affected with ATR-related conditions. ClinVar contains an entry for this variant (Variation ID: 587606). An algorithm developed to predict the effect of missense changes on protein structure and function (PolyPhen-2) suggests that this variant is likely to be disruptive. In summary, the available evidence is currently insufficient to determine the role of this variant in disease. Therefore, it has been classified as a Variant of Uncertain Significance.

Blueprint Genetics
Classification: Uncertain significance. Last evaluated: 2023-03-21. Review status: criteria provided, single submitter. Criteria: ACMG Guidelines, 2015. Collection method: clinical testing. Allele origin: germline.

Genome-Nilou Lab
Classification: Uncertain significance for Seckel syndrome 1. Last evaluated: 2023-02-08. Review status: criteria provided, single submitter. Criteria: ACMG Guidelines, 2015. Collection method: clinical testing. Allele origin: germline.

Genome-Nilou Lab
Classification: Uncertain significance for Familial cutaneous telangiectasia and oropharyngeal predisposition cancer syndrome. Last evaluated: 2023-02-08. Review status: criteria provided, single submitter. Criteria: ACMG Guidelines, 2015. Collection method: clinical testing. Allele origin: germline.

Genomic Research Center, Shahid Beheshti University of Medical Sciences
Classification: Uncertain significance for ATR-X-related syndrome. Last evaluated: 2018-08-07. Review status: criteria provided, single submitter. Criteria: ACMG Guidelines, 2015. Collection method: clinical testing. Allele origin: inherited. Affected: yes. Observed: 1 variant allele.

Genomic Research Center, Shahid Beheshti University of Medical Sciences
Classification: Uncertain significance for Seckel syndrome. Last evaluated: 2018-08-07. Review status: criteria provided, single submitter. Criteria: ACMG Guidelines, 2015. Collection method: clinical testing. Allele origin: inherited. Affected: yes. Observed: 1 variant allele.